The following is an entry in ClinVar:

NM_007214.5(SEC63):c.1649del (p.Lys550fs)

Gene: SEC63 (SEC63 protein translocation regulator; minus strand). Cytogenetic location: 6q21.
Variant type: Deletion.
Coding change: c.1649del on transcript NM_007214.5 (MANE Select); coding-DNA position 1649, one base deleted (A; older notation c.1649delA).
Protein change: p.Lys550fs; shifts the reading frame from lysine 550.
Molecular consequence: frameshift variant.
Genome position (GRCh38, 1-based): chr6:107,893,507, T deleted on the plus strand (A on the coding strand, the reverse complement: SEC63 is on the minus strand); the first of 4 consecutive T bases (chr6:107,893,507-107,893,510); deleting any one gives the same sequence. VCF-style (leftmost placement, unchanged base first): chr6-107893506-CT-C. GRCh37 (hg19) VCF-style: chr6-108214710-CT-C.
Other names: short protein forms K550fs.
Identifiers: ClinVar variation 4292005 (VCV004292005.1).

ClinVar aggregate classification (germline): Likely pathogenic (1 of 4 stars; one submission).

Conditions:
Polycystic liver disease 2 (PCLD2). Also called: Polycystic liver disease 2 with or without kidney cysts. Identifiers: Orphanet 2924, MedGen C4310769, MONDO:0014860, OMIM 617004.

Submission:

3billion
Classification: Likely pathogenic for Polycystic liver disease 2. Last evaluated: 2025-02-07. Review status: criteria provided, single submitter. Criteria: ACMG Guidelines, 2015. Collection method: clinical testing. Allele origin: germline. Affected: yes.
Comment: The variant is not observed in the gnomAD v4.1.0 dataset. Predicted Consequence/Location: Frameshift: predicted to result in a loss or disruption of normal protein function through nonsense-mediated decay (NMD) or protein truncation. Multiple pathogenic variants are reported downstream of the variant. Therefore, this variant is classified as Likely pathogenic according to the recommendation of ACMG/AMP guideline.